The following is an entry in ClinVar:

NM_020975.6(RET):c.2071G>C (p.Gly691Arg)

Gene: RET (ret proto-oncogene; plus strand). Cytogenetic location: 10q11.21.
Variant type: single nucleotide variant.
Coding change: c.2071G>C on transcript NM_020975.6 (MANE Select); coding-DNA position 2071, G replaced by C.
Protein change: p.Gly691Arg; replaces glycine 691 with arginine.
Molecular consequence: missense variant.
Genome position (GRCh38, 1-based): chr10:43,114,671, G>C. VCF-style: chr10-43114671-G-C. GRCh37 (hg19) VCF-style: chr10-43610119-G-C.
Other names: c.2071G>C, p.Gly691Arg (NM_000323.2, NM_001406743.1, NM_001406744.1 and 4 more transcripts); c.1309G>C, p.Gly437Arg (NM_001355216.2); c.1942G>C, p.Gly648Arg (NM_001406761.1, NM_001406762.1, NM_001406764.1); c.1936G>C, p.Gly646Arg (NM_001406763.1, NM_001406765.1); c.1783G>C, p.Gly595Arg (NM_001406766.1, NM_001406767.1, NM_001406770.1); c.1807G>C, p.Gly603Arg (NM_001406768.1); c.1675G>C, p.Gly559Arg (NM_001406769.1, NM_001406772.1); c.1633G>C, p.Gly545Arg (NM_001406771.1, NM_001406773.1); and 10 more; short protein forms G691R, G437R, G347R, G516R, G296R, G361R, G545R, G646R.
Identifiers: ClinVar variation 581727 (VCV000581727.14), dbSNP rs1799939, ClinGen allele CA376553251.
Genomic context (GRCh38, chr10:43,114,671, plus strand): 5'-TCAGCTGAGATGACCTTCCGGAGGCCCGCCCAGGCCTTCCCGGTCAGCTACTCCTCTTCC[G>C]GTGCCCGCCGGCCCTCGCTGGACTCCATGGAGAACCAGGTCTCCGTGGATGCCTTCAAGA-3'
Protein context (NP_066124.1, residues 681-701): QAFPVSYSSS[Gly691Arg]ARRPSLDSME

ClinVar aggregate classification (germline): Uncertain significance. Review status: criteria provided, multiple submitters, no conflicts (2 of 4 stars). 2 submissions from 2 submitters: Uncertain significance (2). Last evaluated 2024-08-11.

Conditions:
Hereditary cancer-predisposing syndrome. Also called: Neoplastic Syndromes, Hereditary; Hereditary Cancer Syndrome; Tumor predisposition; Hereditary neoplastic syndrome. Identifiers: Orphanet 140162, MedGen C0027672, MeSH D009386, MONDO:0015356.
Multiple endocrine neoplasia, type 2 (MEN2). Identifiers: Orphanet 653, MedGen C4048306, MONDO:0019003. Disease mechanism: gain of function.

gnomAD v4.1: 9 of 1,612,290 alleles (0.00056%); highest among the groups gnomAD compares: Non-Finnish European, 0.00076%; no homozygotes.

Submissions (2):

Labcorp Genetics (formerly Invitae), Labcorp
Classification: Uncertain significance for Multiple endocrine neoplasia, type 2. Last evaluated: 2024-08-11. Review status: criteria provided, single submitter. Criteria: Invitae Variant Classification Sherloc (09022015). Collection method: clinical testing. Allele origin: germline.
Comment: This sequence change replaces glycine, which is neutral and non-polar, with arginine, which is basic and polar, at codon 691 of the RET protein (p.Gly691Arg). This variant is not present in population databases (gnomAD no frequency). This variant has not been reported in the literature in individuals affected with RET-related conditions. ClinVar contains an entry for this variant (Variation ID: 581727). An algorithm developed to predict the effect of missense changes on protein structure and function (PolyPhen-2) suggests that this variant is likely to be tolerated. In summary, the available evidence is currently insufficient to determine the role of this variant in disease. Therefore, it has been classified as a Variant of Uncertain Significance.

Ambry Genetics
Classification: Uncertain significance for Hereditary cancer-predisposing syndrome. Last evaluated: 2024-05-19. Review status: criteria provided, single submitter. Criteria: Ambry Variant Classification Scheme 2023. Collection method: clinical testing. Allele origin: germline.
Comment: The p.G691R variant (also known as c.2071G>C), located in coding exon 11 of the RET gene, results from a G to C substitution at nucleotide position 2071. The glycine at codon 691 is replaced by arginine, an amino acid with dissimilar properties. This amino acid position is not well conserved in available vertebrate species. In addition, this alteration is predicted to be tolerated by in silico analysis. Since supporting evidence is limited at this time, the clinical significance of this alteration remains unclear.